The following is an entry in ClinVar:

NM_022725.4(FANCF):c.364C>T (p.Arg122Trp)

Gene: FANCF (FA complementation group F; minus strand). Cytogenetic location: 11p14.3.
Variant type: single nucleotide variant.
Coding change: c.364C>T on transcript NM_022725.4 (MANE Select); coding-DNA position 364, C replaced by T.
Protein change: p.Arg122Trp; replaces arginine 122 with tryptophan.
Molecular consequence: missense variant.
Genome position (GRCh38, 1-based): chr11:22,625,447, G>A on the plus strand (C>T on the coding strand, the complement: FANCF is on the minus strand). VCF-style: chr11-22625447-G-A. GRCh37 (hg19) VCF-style: chr11-22646993-G-A.
Other names: short protein forms R122W.
Identifiers: ClinVar variation 2071905 (VCV002071905.4), dbSNP rs759470099, ClinGen allele CA380059198.

ClinVar aggregate classification (germline): Uncertain significance (1 of 4 stars; one submission).

Conditions:
Fanconi anemia (FA). Also called: Fanconi's anemia. Identifiers: Orphanet 84, MedGen C0015625, MeSH D005199, MONDO:0019391.

Submission:

Labcorp Genetics (formerly Invitae), Labcorp
Classification: Uncertain significance for Fanconi anemia. Last evaluated: 2022-06-18. Review status: criteria provided, single submitter. Criteria: Invitae Variant Classification Sherloc (09022015). Collection method: clinical testing. Allele origin: germline.
Comment: Algorithms developed to predict the effect of missense changes on protein structure and function are either unavailable or do not agree on the potential impact of this missense change (SIFT: "Deleterious"; PolyPhen-2: "Possibly Damaging"; Align-GVGD: "Class C0"). This sequence change replaces arginine, which is basic and polar, with tryptophan, which is neutral and slightly polar, at codon 122 of the FANCF protein (p.Arg122Trp). This variant is not present in population databases (gnomAD no frequency). This variant has not been reported in the literature in individuals affected with FANCF-related conditions. In summary, the available evidence is currently insufficient to determine the role of this variant in disease. Therefore, it has been classified as a Variant of Uncertain Significance.